The following is an entry in ClinVar:

ClinVar aggregate classification (germline): Pathogenic/Likely pathogenic. Review status: criteria provided, multiple submitters, no conflicts (2 of 4 stars). 2 submissions from 2 submitters: Pathogenic (1); Likely pathogenic (1). Last evaluated 2025-06-12.

Conditions:
Retinal macular dystrophy type 2 (MCDR2). Also called: Bull's eye macular dystrophy. Identifiers: Orphanet 319640, MedGen C4749334, MONDO:0011957, OMIM 608051.
Retinitis pigmentosa 41 (RP41). Also called: RETINAL DEGENERATION, AUTOSOMAL RECESSIVE, PROMININ-RELATED. Identifiers: Orphanet 791, MedGen C2677516, MONDO:0012796, OMIM 612095.
Cone-rod dystrophy 12 (CORD12). Identifiers: Orphanet 1872, MedGen C2675210, MONDO:0012983, OMIM 612657.
Stargardt disease 4 (STGD4). Identifiers: Orphanet 827, MedGen C1863534, MONDO:0011370, OMIM 603786.

Submissions (2):

Labcorp Genetics (formerly Invitae), Labcorp
Classification: Pathogenic. Last evaluated: 2025-06-12. Review status: criteria provided, single submitter. Criteria: Invitae Variant Classification Sherloc (09022015). Collection method: clinical testing. Allele origin: germline.
Comment: This sequence change creates a premature translational stop signal (p.Ile52Leufs*7) in the PROM1 gene. It is expected to result in an absent or disrupted protein product. Loss-of-function variants in PROM1 are known to be pathogenic (PMID: 17605048, 19718270, 24154662, 25474345). This variant is not present in population databases (gnomAD no frequency). This variant has not been reported in the literature in individuals affected with PROM1-related conditions. ClinVar contains an entry for this variant (Variation ID: 3780492). Algorithms developed to predict the effect of sequence changes on RNA splicing suggest that this variant may disrupt the consensus splice site. For these reasons, this variant has been classified as Pathogenic.

Department of Pathology and Laboratory Medicine, Sinai Health System
Classification: Likely pathogenic for Retinal macular dystrophy type 2; Stargardt disease 4; Cone-rod dystrophy 12; Retinitis pigmentosa 41. Last evaluated: 2023-08-22. Review status: criteria provided, single submitter. Criteria: ACMG Guidelines, 2015. Collection method: research. Allele origin: germline.

Literature cited by the submitters: PubMed 17605048 (cited by Labcorp Genetics (formerly Invitae), Labcorp); PubMed 19718270 (cited by Labcorp Genetics (formerly Invitae), Labcorp); PubMed 24154662 (cited by Labcorp Genetics (formerly Invitae), Labcorp); PubMed 25474345 (cited by Labcorp Genetics (formerly Invitae), Labcorp).

NM_006017.3(PROM1):c.154del (p.Ile52fs)

Gene: PROM1 (prominin 1; minus strand). Cytogenetic location: 4p15.32.
Variant type: Deletion.
Coding change: c.154del on transcript NM_006017.3 (MANE Select); coding-DNA position 154, one base deleted (A; older notation c.154delA).
Protein change: p.Ile52fs; shifts the reading frame from isoleucine 52.
Molecular consequence: frameshift variant.
Genome position (GRCh38, 1-based): chr4:16,075,753, T deleted on the plus strand (A on the coding strand, the reverse complement: PROM1 is on the minus strand). VCF-style (leftmost placement, unchanged base first): chr4-16075752-AT-A. GRCh37 (hg19) VCF-style: chr4-16077375-AT-A.
Other names: c.154del, p.Ile52fs (NM_001145847.2, NM_001145848.2, NM_001145849.2 and 6 more transcripts); short protein forms I52fs.
Identifiers: ClinVar variation 3780492 (VCV003780492.2).
Genomic context (GRCh38, chr4:16,075,752, plus strand): 5'-GGGAAATCACGCGGCTGTACCACATAGAGAAAGATATGCACTAGTTCAAAGAGAATGCCA[AT>A]GGGTCCAGCTTTATGGGAGTCTTGGGTCTCATAATTTGTTGCAGGCAATTCATAATTCCA-3'